The following is an entry in ClinVar:

NM_000235.4(LIPA):c.111+1G>A

Gene: LIPA (lipase A, lysosomal acid type; minus strand). Cytogenetic location: 10q23.31.
Variant type: single nucleotide variant.
Coding change: c.111+1G>A on transcript NM_000235.4 (MANE Select); the canonical splice donor site of the intron after coding-DNA position 111, G replaced by A.
Molecular consequence: splice donor variant. On other transcripts: intron variant (1).
Genome position (GRCh38, 1-based): chr10:89,247,537, C>T on the plus strand (G>A on the coding strand, the complement: LIPA is on the minus strand). VCF-style: chr10-89247537-C-T. GRCh37 (hg19) VCF-style: chr10-91007294-C-T.
Other names: c.-120+4200G>A (NM_001288979.2); c.111+1G>A (NM_001127605.3).
Identifiers: ClinVar variation 648013 (VCV000648013.12), dbSNP rs762960877, ClinGen allele CA5593825.

ClinVar aggregate classification (germline): Pathogenic/Likely pathogenic. Review status: criteria provided, multiple submitters, no conflicts (2 of 4 stars). 4 submissions from 4 submitters: Pathogenic (2); Likely pathogenic (2). Last evaluated 2025-10-20.

Conditions:
Cholesteryl ester storage disease (CESD). Also called: Childhood/Adult-Onset LAL-D (Cholesterol Ester Storage Disease [CESD]). Identifiers: Orphanet 75234, MedGen C0008384, MONDO:0019149, OMIM 278000.
Lysosomal acid lipase deficiency. Also called: Acid cholesteryl ester hydrolase deficiency, type 2. Identifiers: Orphanet 275761, MedGen C5574740, MONDO:0800449, MONDO:0010204.
Wolman disease (WOLD). Also called: Wolman disease, CESD; LYSOSOMAL ACID LIPASE DEFICIENCY, ACUTE INFANTILE; LYSOSOMAL ACID LIPASE DEFICIENCY, COMPLETE; LIPA DEFICIENCY, COMPLETE; LAL DEFICIENCY, COMPLETE; CHOLESTEROL ESTER HYDROLASE DEFICIENCY, COMPLETE. Identifiers: Orphanet 75233, MedGen C0043208, MONDO:0019148, OMIM 620151.

Allele frequency attached by ClinVar (database versions not stated): gnomAD exomes 0.00001 and 0.00002; ExAC 0.00001; TOPMed 0.00001.
gnomAD v4.1: 22 of 1,583,724 alleles (0.0014%); highest among the groups gnomAD compares: Non-Finnish European, 0.0018%; no homozygotes.

Submissions (4):

Natera, Inc.
Classification: Likely pathogenic for Lysosomal acid lipase deficiency. Last evaluated: 2025-10-20. Review status: criteria provided, single submitter. Criteria: Natera Variant Classification Schema (03/2026). Collection method: clinical testing. Allele origin: germline.
Comment: The c.111+1G>A variant in LIPA is a canonical splice donor site variant predicted to affect pre-mRNA splicing, which may result in an abnormal transcript and altered protein product. This variant may result in a truncated or dysfunctional protein product. This variant is rare in the general population with a frequency below the threshold expected for the associated phenotype(s). This variant has been observed in one or more individuals affected with the associated recessive disease, as either homozygous or compound heterozygous with a second variant (PMID: 37291213). Given the available evidence, this variant is classified as Likely Pathogenic.

Labcorp Genetics (formerly Invitae), Labcorp
Classification: Likely pathogenic for Wolman disease. Last evaluated: 2025-02-13. Review status: criteria provided, single submitter. Criteria: Invitae Variant Classification Sherloc (09022015). Collection method: clinical testing. Allele origin: germline.
Comment: This sequence change affects a donor splice site in intron 2 of the LIPA gene. It is expected to disrupt RNA splicing. Variants that disrupt the donor or acceptor splice site typically lead to a loss of protein function (PMID: 16199547), and loss-of-function variants in LIPA are known to be pathogenic (PMID: 23485521). This variant is present in population databases (rs762960877, gnomAD 0.002%). Disruption of this splice site has been observed in individual(s) with autosomal recessive lysosomal acid lipase deficiency (PMID: 37291213). ClinVar contains an entry for this variant (Variation ID: 648013). Algorithms developed to predict the effect of sequence changes on RNA splicing suggest that this variant may disrupt the consensus splice site. In summary, the currently available evidence indicates that the variant is pathogenic, but additional data are needed to prove that conclusively. Therefore, this variant has been classified as Likely Pathogenic.

Myriad Genetics, Inc.
Classification: Pathogenic for Lysosomal acid lipase deficiency. Last evaluated: 2025-01-15. Review status: criteria provided, single submitter. Criteria: Myriad Autosomal Dominant, Autosomal Recessive and X-Linked Classification Criteria (2023). Collection method: clinical testing. Allele origin: unknown.
Comment: NM_000235.2(LIPA):c.111+1G>A is a variant in a canonical splice site classified as pathogenic in the context of lysosomal acid lipase deficiency. c.111+1G>A has been observed in a case with relevant disease (PMID: 37291213). Relevant functional assessments of this variant are not available in the literature. c.111+1G>A has been observed in referenced population frequency databases. In summary, NM_000235.2(LIPA):c.111+1G>A is a variant in a canonical splice site that has internal structural support for pathogenicity and has been observed more frequently in cases with the relevant disease than in healthy populations. Please note: this variant was assessed in the context of healthy population screening.

Victorian Clinical Genetics Services, Murdoch Childrens Research Institute
Classification: Pathogenic for Cholesteryl ester storage disease. Last evaluated: 2022-02-02. Review status: criteria provided, single submitter. Criteria: ACMG Guidelines, 2015. Collection method: clinical testing. Allele origin: germline. Inheritance: Autosomal recessive inheritance. Affected: yes.
Comment: Based on the classification scheme VCGS_Germline_v1.3.4, this variant is classified as Pathogenic. Following criteria are met: 0102 - Loss of function is a known mechanism of disease in this gene and is associated with cholesteryl ester storage disease (CEST) and Wolman disease (MIM#278000). (I) 0106 - This gene is associated with autosomal recessive disease. (I) 0211 - Canonical splice site variant without proven consequence on splicing (no functional evidence available). (SP) 0251 - This variant is heterozygous. (I) 0304 - Variant is present in gnomAD (v2) <0.01 for a recessive condition (2 heterozygotes, 0 homozygotes). (SP) 0505 - Abnormal splicing is predicted by in silico tools and affected nucleotide is highly conserved. (SP) 0704 - Another canonical splice site variant comparable to the one identified in this case has limited previous evidence for pathogenicity. A different variant in the same canonical splice site, c.111+2T>G, has been reported as likely pathogenic in ClinVar. (SP) 0803 - This variant has limited previous evidence of pathogenicity in an unrelated individual. This variant has been submitted once as likely pathogenic to ClinVar. (SP) 0905 - No published segregation evidence has been identified for this variant. (I) 1007 - No published functional evidence has been identified for this variant. (I) Legend: (SP) - Supporting pathogenic, (I) - Information, (SB) - Supporting benign

Literature cited by the submitters: PubMed 37291213 (cited by 3 submitters); PubMed 16199547 (cited by Labcorp Genetics (formerly Invitae), Labcorp); PubMed 23485521 (cited by Labcorp Genetics (formerly Invitae), Labcorp).